The following is an entry in ClinVar:

ClinVar aggregate classification (germline): Pathogenic. Review status: criteria provided, multiple submitters, no conflicts (2 of 4 stars). 2 submissions from 2 submitters: Pathogenic (2). Last evaluated 2024-04-25.

Conditions:
Hereditary cancer-predisposing syndrome. Also called: Hereditary neoplastic syndrome; Tumor predisposition; Neoplastic Syndromes, Hereditary; Hereditary Cancer Syndrome. Identifiers: Orphanet 140162, MedGen C0027672, MeSH D009386, MONDO:0015356.
Multiple endocrine neoplasia, type 1 (MEN1). Also called: MEN I; Endocrine adenomatosis multiple; MEN 1; WERMER SYNDROME; MEA I. Identifiers: Orphanet 652, MedGen C0025267, MeSH D018761, MONDO:0007540, OMIM 131100.

Submissions (2):

Labcorp Genetics (formerly Invitae), Labcorp
Classification: Pathogenic for Multiple endocrine neoplasia, type 1. Last evaluated: 2024-04-25. Review status: criteria provided, single submitter. Criteria: Invitae Variant Classification Sherloc (09022015). Collection method: clinical testing. Allele origin: germline.
Comment: This sequence change creates a premature translational stop signal (p.Tyr351*) in the MEN1 gene. It is expected to result in an absent or disrupted protein product. Loss-of-function variants in MEN1 are known to be pathogenic (PMID: 12112656, 17853334). This variant is not present in population databases (gnomAD no frequency). This premature translational stop signal has been observed in individual(s) with clinical features of MEN1-related conditions (PMID: 16563611). ClinVar contains an entry for this variant (Variation ID: 428089). Algorithms developed to predict the effect of sequence changes on RNA splicing suggest that this variant may create or strengthen a splice site. For these reasons, this variant has been classified as Pathogenic.

Ambry Genetics
Classification: Pathogenic for Hereditary cancer-predisposing syndrome. Last evaluated: 2015-04-14. Review status: criteria provided, single submitter. Criteria: Ambry Variant Classification Scheme 2023. Collection method: clinical testing. Allele origin: germline.
Comment: The p.Y351* pathogenic mutation (also known as c.1053C>G), located in coding exon 7 of the MEN1 gene, results from a C to G substitution at nucleotide position 1053. This changes the amino acid from a tyrosine to a stop codon within coding exon 7. This mutation has been previously reported in a Danish family affected with multiple endocrine neoplasia type 1 (MEN1) (J&auml;ger AC, Mol. Cell. Endocrinol. 2006 Apr; 249(1-2):123-32). In addition to the clinical data presented in the literature, since premature stop codons are typically deleterious in nature, this alteration is interpreted as a disease-causing mutation (ACMG Recommendations for Standards for Interpretation and Reporting of Sequence Variations. Revision 2007. Genet Med. 2008;10:294).

Literature cited by the submitters: PubMed 12112656 (cited by Labcorp Genetics (formerly Invitae), Labcorp); PubMed 17853334 (cited by Labcorp Genetics (formerly Invitae), Labcorp); PubMed 16563611 (cited by Labcorp Genetics (formerly Invitae), Labcorp and Ambry Genetics).

NM_001370259.2(MEN1):c.1053C>G (p.Tyr351Ter)

Gene: MEN1 (menin 1; minus strand). Cytogenetic location: 11q13.1.
Variant type: single nucleotide variant.
Coding change: c.1053C>G on transcript NM_001370259.2 (MANE Select); coding-DNA position 1053, C replaced by G.
Protein change: p.Tyr351Ter; replaces tyrosine 351 with a stop codon.
Molecular consequence: nonsense.
Genome position (GRCh38, 1-based): chr11:64,805,767, G>C on the plus strand (C>G on the coding strand, the complement: MEN1 is on the minus strand). VCF-style: chr11-64805767-G-C. GRCh37 (hg19) VCF-style: chr11-64573239-G-C.
Other names: c.1053C>G, p.Tyr351Ter (NM_130799.3, NM_001370260.2, NM_001370261.2); c.1068C>G, p.Tyr356Ter (NM_130800.3, NM_130801.3, NM_130802.3 and 3 more transcripts); c.1179C>G, p.Tyr393Ter (NM_001370251.2); c.948C>G, p.Tyr316Ter (NM_001370262.2, NM_001370263.2); short protein forms Y351*, Y356*, Y316*, Y393*.
Identifiers: ClinVar variation 428089 (VCV000428089.9), dbSNP rs767078097, ClinGen allele CA381182998.
Genomic context (GRCh38, chr11:64,805,767, plus strand): 5'-GACATCATTGGCTACTTCAAAGAACTCCTTGTAGATCTCCTCGTCTTCCCGGCAGTAGTT[G>C]TAGCTGTGAGAGCAGTGGGGTCTCTGTAGGGTCTGAAGGGGTCTCACCATCGGGGGTAGC-3'